The following is an entry in ClinVar:

NC_000013.11:g.(?_76991932)_(77000989_?)del

Genes: CLN5 (CLN5 lysosomal BMP synthase; plus strand), LOC126861804 (BRD4-independent group 4 enhancer GRCh37_chr13:77566521-77567720; plus strand), LOC130009913 (ATAC-STARR-seq lymphoblastoid silent region 5414; plus strand). Cytogenetic location: 13q22.3.
Variant type: Deletion.
Identifiers: ClinVar variation 649631 (VCV000649631.1).

ClinVar aggregate classification (germline): Pathogenic (1 of 4 stars; one submission).

Conditions:
Neuronal ceroid lipofuscinosis. Also called: Neuronal Ceroid Lipofuscinoses. Identifiers: Orphanet 216, Orphanet 79263, MedGen C0027877, MONDO:0016295. Disease mechanism: loss of function.

Submission:

Labcorp Genetics (formerly Invitae), Labcorp
Classification: Pathogenic for Neuronal ceroid lipofuscinosis. Last evaluated: 2018-10-31. Review status: criteria provided, single submitter. Criteria: Invitae Variant Classification Sherloc (09022015). Collection method: clinical testing. Allele origin: germline.
Comment: A gross deletion of the genomic region encompassing the full coding sequence of the CLN5 gene has been identified. The boundaries of this event are unknown as the deletion extends beyond the assayed region for this gene and therefore may encompass additional genes. This variant has not been reported in the literature in individuals with CLN5-related disease. Loss-of-function variants in CLN5 are known to be pathogenic (PMID: 20157158). For these reasons, this variant has been classified as Pathogenic.